The following is an entry in ClinVar:

ClinVar aggregate classification (germline): Uncertain significance (1 of 4 stars; one submission).

Conditions:
Malignant hyperthermia, susceptibility to, 1 (MHS1). Also called: Anesthesia related hyperthermia; Malignant hyperpyrexia; Fulminating hyperpyrexia; Pharmacogenic myopathy; RYR1-Related Malignant Hyperthermia Susceptibility; Malignant hyperthermia suceptibility 1. Identifiers: Orphanet 423, MedGen C2930980, MONDO:0007783, OMIM 145600.

Submission:

All of Us Research Program, National Institutes of Health
Classification: Uncertain significance for Malignant hyperthermia, susceptibility to, 1. Last evaluated: 2024-05-09. Review status: criteria provided, single submitter. Criteria: ACMG Guidelines, 2015. Collection method: clinical testing. Allele origin: germline. Inheritance: Autosomal dominant inheritance. Observed: 1 variant allele, 1 heterozygote.
Comment: This study involves interpretation of variants in research participants for the purpose of population health screening. Participant phenotype was not available at the time of variant classification. Additional details can be found in publication PMID: 35346344, PMCID: PMC8962531

NM_000540.3(RYR1):c.550G>T (p.Ala184Ser)

Gene: RYR1 (ryanodine receptor 1; plus strand). Cytogenetic location: 19q13.2.
Variant type: single nucleotide variant.
Coding change: c.550G>T on transcript NM_000540.3 (MANE Select); coding-DNA position 550, G replaced by T.
Protein change: p.Ala184Ser; replaces alanine 184 with serine.
Molecular consequence: missense variant.
Genome position (GRCh38, 1-based): chr19:38,444,596, G>T. VCF-style: chr19-38444596-G-T. GRCh37 (hg19) VCF-style: chr19-38935236-G-T.
Other names: c.550G>T, p.Ala184Ser (NM_001042723.2); short protein forms A184S.
Identifiers: ClinVar variation 3387626 (VCV003387626.1).
Genomic context (GRCh38, chr19:38,444,596, plus strand): 5'-GCCCACCCCTGCAATCGTCTCTGACTGCCGCATCCTGGTGGCCCCCAGCACCTGTCGACC[G>T]CCAGTGGGGAGCTCCAGGTTGACGCTTCCTTCATGCAGACACTATGGAACATGAACCCCA-3'
Protein context (NP_000531.2, residues 174-194): SSERYLHLST[Ala184Ser]SGELQVDASF